The following is an entry in ClinVar:

ClinVar aggregate classification (germline): Likely benign. Review status: criteria provided, single submitter (1 of 4 stars). 2 submissions from 2 submitters: Likely benign (1). 1 of the submissions does not count toward it. Last evaluated 2023-12-01.

Conditions:
ATN1-related disorder. Also called: ATN1-related disorders; ATN1-related condition.

Allele frequency attached by ClinVar (database versions not stated): TOPMed 0.00003; ExAC 0.00006; gnomAD 0.00007; gnomAD exomes 0.00007; ESP Exome Variant Server 0.00008; 1000 Genomes Project 30x 0.00016; 1000 Genomes Project 0.00020.
gnomAD v4.1: 126 of 1,613,912 alleles (0.0078%); highest among the groups gnomAD compares: Admixed American, 0.017%; 1 homozygote.

Submissions (2):

CeGaT Center for Human Genetics Tuebingen
Classification: Likely benign. Last evaluated: 2023-12-01. Review status: criteria provided, single submitter. Criteria: CeGaT Center For Human Genetics Tuebingen Variant Classification Criteria Version 2. Collection method: clinical testing. Allele origin: germline. Affected: yes. Observed: 2 variant alleles.
Comment: ATN1: BP4, BP7

PreventionGenetics, part of Exact Sciences
Classification: Likely benign for ATN1-related condition. Last evaluated: 2019-09-19. Review status: no assertion criteria provided. Collection method: clinical testing. Allele origin: germline. Not counted in ClinVar's aggregate classification.
Comment: This variant is classified as likely benign based on ACMG/AMP sequence variant interpretation guidelines (Richards et al. 2015 PMID: 25741868, with internal and published modifications).

NM_001940.4(ATN1):c.357C>T (p.Ser119=)

Gene: ATN1 (atrophin 1; plus strand). Cytogenetic location: 12p13.31.
Variant type: single nucleotide variant.
Coding change: c.357C>T on transcript NM_001940.4 (MANE Select); coding-DNA position 357, C replaced by T.
Protein change: p.Ser119=; no amino-acid change (serine 119 retained).
Molecular consequence: synonymous variant.
Genome position (GRCh38, 1-based): chr12:6,935,624, C>T. VCF-style: chr12-6935624-C-T. GRCh37 (hg19) VCF-style: chr12-7044787-C-T.
Other names: c.357C>T, p.Ser119= (NM_001007026.2, NM_001424176.1, NM_001424177.1 and 2 more transcripts); c.354C>T, p.Ser118= (NM_001424179.1, NM_001424180.1, NM_001424182.1); c.357C>T (NM_001007026.1).
Identifiers: ClinVar variation 2672489 (VCV002672489.24), dbSNP rs149260210, ClinGen allele CA6420382.